The following is an entry in ClinVar:

ClinVar aggregate classification (germline): Benign/Likely benign. Review status: criteria provided, multiple submitters, no conflicts (2 of 4 stars). 9 submissions from 9 submitters: Benign (1); Likely benign (8). Last evaluated 2026-01-28.

Conditions:
Cardiovascular phenotype. Identifiers: MedGen CN230736.
Hereditary cancer-predisposing syndrome. Also called: Hereditary neoplastic syndrome; Tumor predisposition; Neoplastic Syndromes, Hereditary; Hereditary Cancer Syndrome. Identifiers: Orphanet 140162, MedGen C0027672, MeSH D009386, MONDO:0015356.
Neurofibromatosis, type 1 (NF1). Also called: VON RECKLINGHAUSEN DISEASE; Peripheral type neurofibromatosis; NEUROFIBROMATOSIS, TYPE I, SOMATIC; Neurofibromatosis, type I. Identifiers: Orphanet 636, MedGen C0027831, MONDO:0018975, OMIM 162200. Disease mechanism: loss of function.
Neurofibromatosis-Noonan syndrome (NFNS). Also called: NEUROFIBROMATOSIS WITH NOONAN PHENOTYPE. Identifiers: Orphanet 638, MedGen C2931482, MONDO:0011035, OMIM 601321. Disease mechanism: loss of function.
Café-au-lait macules with pulmonary stenosis (WTSN). Also called: PULMONIC STENOSIS WITH CAFE-AU-LAIT SPOTS. Identifiers: MedGen C0553586, MONDO:0008672, OMIM 193520.
Neurofibromatosis, familial spinal (FSNF). Identifiers: Orphanet 636, MedGen C1834235, MONDO:0008078, OMIM 162210. Disease mechanism: loss of function.
Juvenile myelomonocytic leukemia (JMML). Also called: LEUKEMIA, JUVENILE MYELOMONOCYTIC, SOMATIC. Identifiers: Orphanet 86834, MedGen C0349639, MONDO:0011908, OMIM 607785, HP:0012209.

Allele frequency attached by ClinVar (database versions not stated): ESP Exome Variant Server 0.00008; gnomAD 0.00014 and 0.00017; TOPMed 0.00014; gnomAD exomes 0.00016; ExAC 0.00018; 1000 Genomes Project 30x 0.00031; 1000 Genomes Project 0.00040.
gnomAD v4.1: 213 of 1,609,868 alleles (0.013%); highest among the groups gnomAD compares: Middle Eastern, 0.017%; no homozygotes.

Submissions (9):

Labcorp Genetics (formerly Invitae), Labcorp
Classification: Likely benign for Neurofibromatosis, type 1. Last evaluated: 2026-01-28. Review status: criteria provided, single submitter. Criteria: Invitae Variant Classification Sherloc (09022015). Collection method: clinical testing. Allele origin: germline.

Myriad Genetics, Inc.
Classification: Benign for Neurofibromatosis, type 1. Last evaluated: 2026-01-27. Review status: criteria provided, single submitter. Criteria: Myriad Autosomal Dominant, Autosomal Recessive and X-Linked Classification Criteria (2023). Collection method: clinical testing. Allele origin: unknown.
Comment: This variant is considered benign. This variant is intronic and is not expected to impact mRNA splicing. This variant has been observed at a population frequency that is significantly greater than expected given the associated disease prevalence and penetrance.

Department of Pathology and Laboratory Medicine, Sinai Health System
Classification: Likely benign for neurofibromatosis type 1. Last evaluated: 2024-12-17. Review status: criteria provided, single submitter. Criteria: ACMG Guidelines, 2015. Collection method: clinical testing. Allele origin: germline.

Blueprint Genetics
Classification: Likely benign. Last evaluated: 2024-11-27. Review status: criteria provided, single submitter. Criteria: ACMG Guidelines, 2015. Collection method: clinical testing. Allele origin: germline.

Genome-Nilou Lab
Classification: Likely benign for Neurofibromatosis, type 1. Last evaluated: 2022-03-15. Review status: criteria provided, single submitter. Criteria: ACMG Guidelines, 2015. Collection method: clinical testing. Allele origin: germline. Affected: no.

Fulgent Genetics
Classification: Likely benign for Neurofibromatosis, type 1; Neurofibromatosis, familial spinal; Café-au-lait macules with pulmonary stenosis; Neurofibromatosis-Noonan syndrome; Juvenile myelomonocytic leukemia. Last evaluated: 2021-08-18. Review status: criteria provided, single submitter. Criteria: ACMG Guidelines, 2015. Collection method: clinical testing. Allele origin: unknown.

PreventionGenetics, part of Exact Sciences
Classification: Likely benign. Last evaluated: 2017-10-27. Review status: criteria provided, single submitter. Criteria: ACMG Guidelines, 2015. Collection method: clinical testing. Allele origin: germline.

Ambry Genetics
Classification: Likely benign for Cardiovascular phenotype; Hereditary cancer-predisposing syndrome. Last evaluated: 2015-07-24. Review status: criteria provided, single submitter. Criteria: Ambry Variant Classification Scheme 2023. Collection method: clinical testing. Allele origin: germline.

Breakthrough Genomics
Classification: Likely benign. Review status: criteria provided, single submitter. Criteria: ACMG Guidelines, 2015. Collection method: not provided. Allele origin: germline. Inheritance: Autosomal dominant inheritance. Affected: yes.

NM_001042492.3(NF1):c.3871-15C>T

Gene: NF1 (neurofibromin 1; plus strand). Cytogenetic location: 17q11.2.
Variant type: single nucleotide variant.
Coding change: c.3871-15C>T on transcript NM_001042492.3 (MANE Select); 15 bases into the intron before coding-DNA position 3871, C replaced by T.
Molecular consequence: intron variant.
Genome position (GRCh38, 1-based): chr17:31,235,903, C>T. VCF-style: chr17-31235903-C-T. GRCh37 (hg19) VCF-style: chr17-29562921-C-T.
Other names: c.3871-15C>T (NM_000267.3, NM_000267.4).
Identifiers: ClinVar variation 560798 (VCV000560798.15), dbSNP rs200104394, ClinGen allele CA8486262.
Genomic context (GRCh38, chr17:31,235,903, plus strand): 5'-CAGGGCTGATTGTCTTCTTTTAAGGTAAAATATATGGAGCAGGTATAATAAACTCCTATT[C>T]GTGCATTTCTGTAGGTATATGGTGCTACCTATCTACAAAAACTCCTGGATCCTTTATTAC-3'